The following is an entry in ClinVar:

ClinVar aggregate classification (germline): Uncertain significance. Review status: criteria provided, multiple submitters, no conflicts (2 of 4 stars). 2 submissions from 2 submitters: Uncertain significance (2). Last evaluated 2024-03-11.

Conditions:
Developmental and epileptic encephalopathy, 42 (DEE42A). Also called: DEVELOPMENTAL AND EPILEPTIC ENCEPHALOPATHY 42A; EPILEPTIC ENCEPHALOPATHY, EARLY INFANTILE, 42A; Epileptic encephalopathy, early infantile, 42. Identifiers: MedGen C4310716, MONDO:0014917, OMIM 617106.
Episodic ataxia type 2 (EA2). Also called: ACETAZOLAMIDE-RESPONSIVE HEREDITARY PAROXYSMAL CEREBELLAR ATAXIA; EPISODIC ATAXIA, NYSTAGMUS-ASSOCIATED; ATAXIA, EPISODIC, WITH NYSTAGMUS; ATAXIA, FAMILIAL PAROXYSMAL; CEREBELLAR ATAXIA, PAROXYSMAL, ACETAZOLAMIDE-RESPONSIVE; CEREBELLOPATHY, HEREDITARY PAROXYSMAL. Identifiers: Orphanet 97, MedGen C1720416, MONDO:0007163, OMIM 108500.

Submissions (2):

GeneDx
Classification: Uncertain significance. Last evaluated: 2024-03-11. Review status: criteria provided, single submitter. Criteria: GeneDx Variant Classification Process June 2021. Collection method: clinical testing. Allele origin: germline. Affected: yes.
Comment: Not observed at significant frequency in large population cohorts (gnomAD); In silico analysis supports that this missense variant has a deleterious effect on protein structure/function; Has not been previously published as pathogenic or benign to our knowledge

Labcorp Genetics (formerly Invitae), Labcorp
Classification: Uncertain significance for Developmental and epileptic encephalopathy, 42; Episodic ataxia type 2. Last evaluated: 2020-08-10. Review status: criteria provided, single submitter. Criteria: Invitae Variant Classification Sherloc (09022015). Collection method: clinical testing. Allele origin: germline.
Comment: Advanced modeling of protein sequence and biophysical properties (such as structural, functional, and spatial information, amino acid conservation, physicochemical variation, residue mobility, and thermodynamic stability) performed at Invitae indicates that this missense variant is expected to disrupt CACNA1A protein function. In summary, the available evidence is currently insufficient to determine the role of this variant in disease. Therefore, it has been classified as a Variant of Uncertain Significance. This variant has not been reported in the literature in individuals with CACNA1A-related conditions. This variant is not present in population databases (ExAC no frequency). This sequence change replaces aspartic acid with asparagine at codon 1444 of the CACNA1A protein (p.Asp1444Asn). The aspartic acid residue is highly conserved and there is a small physicochemical difference between aspartic acid and asparagine.

NM_001127222.2(CACNA1A):c.4327G>A (p.Asp1443Asn)

Gene: CACNA1A (calcium voltage-gated channel subunit alpha1 A; minus strand). Cytogenetic location: 19p13.13.
Variant type: single nucleotide variant.
Coding change: c.4327G>A on transcript NM_001127222.2 (MANE Select); coding-DNA position 4327, G replaced by A.
Protein change: p.Asp1443Asn; replaces aspartic acid 1443 with asparagine.
Molecular consequence: missense variant.
Genome position (GRCh38, 1-based): chr19:13,259,625, C>T on the plus strand (G>A on the coding strand, the complement: CACNA1A is on the minus strand). VCF-style: chr19-13259625-C-T. GRCh37 (hg19) VCF-style: chr19-13370439-C-T.
Other names: c.4330G>A (NM_001127221.1); c.4339G>A, p.Asp1447Asn (NM_000068.4, NM_023035.3); c.4330G>A, p.Asp1444Asn (NM_001127221.2, NM_001174080.2); short protein forms D1443N, D1444N, D1447N.
Identifiers: ClinVar variation 1021393 (VCV001021393.10), dbSNP rs1443877971, ClinGen allele CA404339327.